The following is an entry in ClinVar:

ClinVar aggregate classification (germline): Likely pathogenic (1 of 4 stars; one submission).

Conditions:
Nephrogenic syndrome of inappropriate antidiuresis (NSIAD). Identifiers: Orphanet 93606, MedGen C1845202, MONDO:0010356, OMIM 300539.

Submission:

Institute of Medical Genetics and Genomics, Sir Ganga Ram Hospital
Classification: Likely pathogenic for Nephrogenic syndrome of inappropriate antidiuresis. Last evaluated: 2023-10-20. Review status: criteria provided, single submitter. Criteria: ACMG Guidelines, 2015. Collection method: clinical testing. Allele origin: germline. Inheritance: X-linked recessive inheritance. Affected: yes.
Comment: Sodium 165, chloride 125 meq/L, suggestive of diabetes insipidus. This variant is absent from gnomAD database [PM2]. Insilico prediction predicts a uncertain significance nature of this variant, REVEL score: 0.69., however MutPred, SIFT, PROVEAN predict deleterious nature of this variant. As per our knowledge, there is no clinvar entry for this variant.

NM_000054.7(AVPR2):c.185T>C (p.Leu62Pro)

Gene: AVPR2 (arginine vasopressin receptor 2; plus strand). Cytogenetic location: Xq28.
Variant type: single nucleotide variant.
Coding change: c.185T>C on transcript NM_000054.7 (MANE Select); coding-DNA position 185, T replaced by C.
Protein change: p.Leu62Pro; replaces leucine 62 with proline.
Molecular consequence: missense variant.
Genome position (GRCh38, 1-based): chrX:153,905,691, T>C. VCF-style: chrX-153905691-T-C. GRCh37 (hg19) VCF-style: chrX-153171145-T-C.
Other names: c.185T>C, p.Leu62Pro (NM_001146151.3); short protein forms L62P.
Identifiers: ClinVar variation 2584683 (VCV002584683.2), dbSNP rs2521151990, ClinGen allele CA415104099.